The following is an entry in ClinVar:

NM_000090.4(COL3A1):c.1386C>T (p.Gly462=)

Gene: COL3A1 (collagen type III alpha 1 chain; plus strand). Cytogenetic location: 2q32.2.
Variant type: single nucleotide variant.
Coding change: c.1386C>T on transcript NM_000090.4 (MANE Select); coding-DNA position 1386, C replaced by T.
Protein change: p.Gly462=; no amino-acid change (glycine 462 retained).
Molecular consequence: synonymous variant.
Genome position (GRCh38, 1-based): chr2:188,994,762, C>T. VCF-style: chr2-188994762-C-T. GRCh37 (hg19) VCF-style: chr2-189859488-C-T.
Identifiers: ClinVar variation 2586763 (VCV002586763.30), dbSNP rs769301725, ClinGen allele CA074268.

ClinVar aggregate classification (germline): Likely benign. Review status: criteria provided, multiple submitters, no conflicts (2 of 4 stars). 4 submissions from 4 submitters: Likely benign (4). Last evaluated 2025-01-14.

Conditions:
Ehlers-Danlos syndrome, type 4 (EDSVASC). Also called: Ehlers-Danlos syndrome vascular type; Ehlers Danlos syndrome, ecchymotic type; Ehlers Danlos syndrome, arterial type; Ehlers Danlos syndrome, Sack-Barabas type; Ehlers-Danlos Syndrome Type IV. Identifiers: Orphanet 286, MedGen C0268338, MONDO:0017314, OMIM 130050.
Familial thoracic aortic aneurysm and aortic dissection (TAAD). Also called: Thoracic aortic aneurysms and dissections. Identifiers: Orphanet 91387, MedGen C4707243, MONDO:0019625.

Allele frequency attached by ClinVar (database versions not stated): ExAC 0.00001; gnomAD 0.00001; gnomAD exomes 0.00001.
gnomAD v4.1: 12 of 1,612,182 alleles (0.00074%); highest among the groups gnomAD compares: Admixed American, 0.0033%; no homozygotes.

Submissions (4):

Labcorp Genetics (formerly Invitae), Labcorp
Classification: Likely benign for Ehlers-Danlos syndrome, type 4. Last evaluated: 2025-01-14. Review status: criteria provided, single submitter. Criteria: Invitae Variant Classification Sherloc (09022015). Collection method: clinical testing. Allele origin: germline.

Color Diagnostics, LLC DBA Color Health
Classification: Likely benign for Familial thoracic aortic aneurysm and aortic dissection. Last evaluated: 2024-11-13. Review status: criteria provided, single submitter. Criteria: ACMG Guidelines, 2015. Collection method: clinical testing. Allele origin: germline.

Ambry Genetics
Classification: Likely benign for Familial thoracic aortic aneurysm and aortic dissection. Last evaluated: 2023-07-13. Review status: criteria provided, single submitter. Criteria: Ambry Variant Classification Scheme 2023. Collection method: clinical testing. Allele origin: germline.

CeGaT Center for Human Genetics Tuebingen
Classification: Likely benign. Last evaluated: 2022-07-01. Review status: criteria provided, single submitter. Criteria: CeGaT Center For Human Genetics Tuebingen Variant Classification Criteria Version 2. Collection method: clinical testing. Allele origin: germline. Affected: yes. Observed: 1 variant allele.
Comment: COL3A1: BP4, BP7